The following is an entry in ClinVar:

NM_001134831.2(AHI1):c.3395C>G (p.Thr1132Ser)

Gene: AHI1 (Abelson helper integration site 1; minus strand). Cytogenetic location: 6q23.3.
Variant type: single nucleotide variant.
Coding change: c.3395C>G on transcript NM_001134831.2 (MANE Select); coding-DNA position 3395, C replaced by G.
Protein change: p.Thr1132Ser; replaces threonine 1132 with serine.
Molecular consequence: missense variant.
Genome position (GRCh38, 1-based): chr6:135,318,550, G>C on the plus strand (C>G on the coding strand, the complement: AHI1 is on the minus strand). VCF-style: chr6-135318550-G-C. GRCh37 (hg19) VCF-style: chr6-135639688-G-C.
Other names: c.3395C>G, p.Thr1132Ser (NM_001134830.2, NM_001350503.2, NM_001350504.2 and 1 more transcripts); short protein forms T1132S.
Identifiers: ClinVar variation 3900590 (VCV003900590.1).

ClinVar aggregate classification (germline): Uncertain significance (1 of 4 stars; one submission).

gnomAD v4.1: 10 of 1,600,440 alleles (0.00062%); highest among the groups gnomAD compares: Middle Eastern, 0.066%; no homozygotes.

Submission:

GeneDx
Classification: Uncertain significance. Last evaluated: 2024-11-26. Review status: criteria provided, single submitter. Criteria: GeneDx Variant Classification Process June 2021. Collection method: clinical testing. Allele origin: germline. Affected: yes.
Comment: Not observed at significant frequency in large population cohorts (gnomAD); In silico analysis indicates that this missense variant does not alter protein structure/function; Has not been previously published as pathogenic or benign to our knowledge